The following is an entry in ClinVar:

NM_001252024.2(TRPM1):c.4734T>G (p.His1578Gln)

Gene: TRPM1 (transient receptor potential cation channel subfamily M member 1; minus strand). Cytogenetic location: 15q13.3.
Variant type: single nucleotide variant.
Coding change: c.4734T>G on transcript NM_001252024.2 (MANE Select); coding-DNA position 4734, T replaced by G.
Protein change: p.His1578Gln; replaces histidine 1578 with glutamine.
Molecular consequence: missense variant.
Genome position (GRCh38, 1-based): chr15:31,001,966, A>C on the plus strand (T>G on the coding strand, the complement: TRPM1 is on the minus strand). VCF-style: chr15-31001966-A-C. GRCh37 (hg19) VCF-style: chr15-31294169-A-C.
Other names: c.4785T>G, p.His1595Gln (NM_001252020.2); c.4668T>G, p.His1556Gln (NM_002420.6); short protein forms H1595Q, H1578Q, H1556Q.
Identifiers: ClinVar variation 4696809 (VCV004696809.1).

ClinVar aggregate classification (germline): Uncertain significance (1 of 4 stars; one submission).

gnomAD v4.1: 2 of 1,614,068 alleles (0.00012%); highest among the groups gnomAD compares: Non-Finnish European, 0.00017%; no homozygotes.

Submission:

Labcorp Genetics (formerly Invitae), Labcorp
Classification: Uncertain significance. Last evaluated: 2025-08-18. Review status: criteria provided, single submitter. Criteria: Invitae Variant Classification Sherloc (09022015). Collection method: clinical testing. Allele origin: germline.
Comment: This sequence change replaces histidine, which is basic and polar, with glutamine, which is neutral and polar, at codon 1556 of the TRPM1 protein (p.His1556Gln). This variant is present in population databases (no rsID available, gnomAD 0.007%). This variant has not been reported in the literature in individuals affected with TRPM1-related conditions. Invitae Evidence Modeling of protein sequence and biophysical properties (such as structural, functional, and spatial information, amino acid conservation, physicochemical variation, residue mobility, and thermodynamic stability) indicates that this missense variant is not expected to disrupt TRPM1 protein function with a negative predictive value of 95%. In summary, the available evidence is currently insufficient to determine the role of this variant in disease. Therefore, it has been classified as a Variant of Uncertain Significance.